The following is an entry in ClinVar:

NM_000321.3(RB1):c.608-5_608-4del

Gene: RB1 (RB transcriptional corepressor 1; plus strand). Cytogenetic location: 13q14.2.
Variant type: Deletion.
Coding change: c.608-5_608-4del on transcript NM_000321.3 (MANE Select); 5 bases into the intron before coding-DNA position 608 through 4 bases into the intron before coding-DNA position 608, 2 bases deleted (TT; older notation c.608-5_608-4delTT).
Molecular consequence: intron variant.
Genome position (GRCh38, 1-based): chr13:48,360,012-48,360,013, TT deleted; deleting any 2 consecutive bases within chr13:48,360,005-48,360,013 gives the same sequence; the c. name uses the placement nearest the transcript's 3' end. VCF-style (leftmost placement, unchanged base first): chr13-48360004-ATT-A. GRCh37 (hg19) VCF-style: chr13-48934140-ATT-A.
Other names: c.608-5_608-4del (NM_001407165.1, NM_001407166.1).
Identifiers: ClinVar variation 3313029 (VCV003313029.3).

ClinVar aggregate classification (germline): Conflicting classifications of pathogenicity. Review status: criteria provided, conflicting classifications (1 of 4 stars). 2 submissions from 2 submitters: Uncertain significance (1); Benign (1). Last evaluated 2024-06-20.

Conditions:
Retinoblastoma (RB1). Also called: RETINOBLASTOMA, SOMATIC. Identifiers: Orphanet 790, MedGen C0035335, MeSH D012175, MONDO:0008380, OMIM 180200, HP:0009919. Disease mechanism: loss of function. Inheritance: Both sporadic and heritable forms are tested..
Hereditary cancer-predisposing syndrome. Also called: Neoplastic Syndromes, Hereditary; Tumor predisposition; Hereditary neoplastic syndrome; Hereditary Cancer Syndrome. Identifiers: Orphanet 140162, MedGen C0027672, MeSH D009386, MONDO:0015356.

Submissions (2):

Ambry Genetics
Classification: Uncertain significance for Hereditary cancer-predisposing syndrome. Last evaluated: 2024-06-20. Review status: criteria provided, single submitter. Criteria: Ambry Variant Classification Scheme 2023. Collection method: clinical testing. Allele origin: germline.
Comment: The c.608-5_608-4delTT intronic variant begins 5 nucleotides before coding exon 7 in the RB1 gene. This variant results from a deletion of two nucleotides at positions c.608-5 to c.608-4.This nucleotide region is not well conserved in available vertebrate species. In silico splice site analysis for this alteration is inconclusive. Based on the available evidence, the clinical significance of this variant remains unclear.

Labcorp Genetics (formerly Invitae), Labcorp
Classification: Benign for Retinoblastoma. Last evaluated: 2024-03-25. Review status: criteria provided, single submitter. Criteria: Invitae Variant Classification Sherloc (09022015). Collection method: clinical testing. Allele origin: germline.